The following is an entry in ClinVar:

NM_014795.4(ZEB2):c.2688dup (p.Ala897fs)

Gene: ZEB2 (zinc finger E-box binding homeobox 2; minus strand). Cytogenetic location: 2q22.3.
Variant type: Duplication.
Coding change: c.2688dup on transcript NM_014795.4 (MANE Select); coding-DNA position 2688, one base duplicated (A; older notation c.2688dupA).
Protein change: p.Ala897fs; shifts the reading frame from alanine 897.
Molecular consequence: frameshift variant.
Genome position (GRCh38, 1-based): chr2:144,398,499, T duplicated on the plus strand (A on the coding strand, the reverse complement: ZEB2 is on the minus strand). VCF-style (leftmost placement, unchanged base first): chr2-144398498-C-CT. GRCh37 (hg19) VCF-style: chr2-145156065-C-CT.
Other names: c.2616dup, p.Ala873fs (NM_001171653.2); c.2688dupA (NM_014795.3); short protein forms A873fs, A897fs.
Identifiers: ClinVar variation 466281 (VCV000466281.6), dbSNP rs1553961510, ClinGen allele CA658657061.

ClinVar aggregate classification (germline): Pathogenic (1 of 4 stars; one submission).

Conditions:
Mowat-Wilson syndrome (MOWS). Also called: Classic Mowat-Wilson Syndrome. Identifiers: Orphanet 2152, MedGen C1856113, MONDO:0009341, OMIM 235730.

Submission:

Labcorp Genetics (formerly Invitae), Labcorp
Classification: Pathogenic for Mowat-Wilson syndrome. Last evaluated: 2017-07-26. Review status: criteria provided, single submitter. Criteria: Invitae Variant Classification Sherloc (09022015). Collection method: clinical testing. Allele origin: germline.
Comment: For these reasons, this variant has been classified as Pathogenic. Loss-of-function variants in ZEB2 are known to be pathogenic (PMID: 16053902). This variant has not been reported in the literature in individuals with ZEB2-related disease. This variant is not present in population databases (ExAC no frequency). This sequence change creates a premature translational stop signal (p.Ala897Serfs*52) in the ZEB2 gene. It is expected to result in an absent or disrupted protein product.

Literature cited by the submitters: PubMed 16053902.